The following is an entry in ClinVar:

NM_012471.3(TRPC5):c.519G>A (p.Gln173=)

Gene: TRPC5 (transient receptor potential cation channel subfamily C member 5; minus strand). Cytogenetic location: Xq23.
Variant type: single nucleotide variant.
Coding change: c.519G>A on transcript NM_012471.3 (MANE Select); coding-DNA position 519, G replaced by A.
Protein change: p.Gln173=; no amino-acid change (glutamine 173 retained).
Molecular consequence: synonymous variant.
Genome position (GRCh38, 1-based): chrX:111,912,672, C>T on the plus strand (G>A on the coding strand, the complement: TRPC5 is on the minus strand). VCF-style: chrX-111912672-C-T. GRCh37 (hg19) VCF-style: chrX-111155900-C-T.
Identifiers: ClinVar variation 5002113 (VCV005002113.1).

ClinVar aggregate classification (germline): Likely benign (1 of 4 stars; one submission).

Conditions:
TRPC5-related disorder. Also called: TRPC5-related condition.

gnomAD v4.1: 2 of 1,209,122 alleles (0.00017%); highest among the groups gnomAD compares: African/African-American, 0.0035%; no homozygotes.

Submission:

PreventionGenetics, part of Exact Sciences
Classification: Likely benign for TRPC5-related condition. Last evaluated: 2025-03-30. Review status: criteria provided, single submitter. Criteria: ACMG Guidelines, 2015. Collection method: clinical testing. Allele origin: germline.
Comment: This variant is classified as likely benign based on ACMG/AMP sequence variant interpretation guidelines (Richards et al. 2015 PMID: 25741868, with internal and published modifications).